The following is an entry in ClinVar:

ClinVar aggregate classification (germline): Uncertain significance (1 of 4 stars; one submission).

Conditions:
Methylmalonic acidemia with homocystinuria, type cblX (MAHCX). Also called: INTELLECTUAL DEVELOPMENTAL DISORDER, X-LINKED 3. Identifiers: Orphanet 369962, MedGen C0796208, MONDO:0010657, OMIM 309541.

Submission:

Foundation for Research in Genetics and Endocrinology, FRIGE's Institute of Human Genetics
Classification: Uncertain significance for Methylmalonic acidemia with homocystinuria, type cblX. Last evaluated: 2025-06-28. Review status: criteria provided, single submitter. Criteria: ACMG Guidelines, 2015. Collection method: clinical testing. Allele origin: germline. Inheritance: X-linked recessive inheritance. Affected: yes. Observed: 1 hemizygote.
Comment: The hemizygous missense variant c.2868G>C(p.Gln956His) has been detected in the HCFC1 gene. This results in an amino acid substitution from glutamine to histidine at codon 956. This variant has not been reported in population frequency databases such as gnomAD or ExAC. This variant is predicted to be deleterious by in silico prediction tools such as AlphaMissense, Eve, MutationTaster and DANN. In summary, the variant meets our criteria to be classified as variant of unceratain significance.

NM_005334.3(HCFC1):c.2868G>C (p.Gln956His)

Gene: HCFC1 (host cell factor C1; minus strand). Cytogenetic location: Xq28.
Variant type: single nucleotide variant.
Coding change: c.2868G>C on transcript NM_005334.3 (MANE Select); coding-DNA position 2868, G replaced by C.
Protein change: p.Gln956His; replaces glutamine 956 with histidine.
Molecular consequence: missense variant.
Genome position (GRCh38, 1-based): chrX:153,955,531, C>G on the plus strand (G>C on the coding strand, the complement: HCFC1 is on the minus strand). VCF-style: chrX-153955531-C-G. GRCh37 (hg19) VCF-style: chrX-153220982-C-G.
Other names: p.Gln956His; c.2868G>C, p.Gln956His (NM_001410705.1); short protein forms Q956H.
Identifiers: ClinVar variation 4056310 (VCV004056310.1).